The following is an entry in ClinVar:

ClinVar aggregate classification (germline): Uncertain significance. Review status: criteria provided, multiple submitters, no conflicts (2 of 4 stars). 2 submissions from 2 submitters: Uncertain significance (2). Last evaluated 2026-01-17.

gnomAD v4.1: 57 of 1,611,452 alleles (0.0035%); highest among the groups gnomAD compares: South Asian, 0.0055%; no homozygotes.

Submissions (2):

Labcorp Genetics (formerly Invitae), Labcorp
Classification: Uncertain significance. Last evaluated: 2026-01-17. Review status: criteria provided, single submitter. Criteria: Invitae Variant Classification Sherloc (09022015). Collection method: clinical testing. Allele origin: germline.
Comment: This sequence change replaces glutamic acid, which is acidic and polar, with lysine, which is basic and polar, at codon 779 of the ZNF341 protein (p.Glu779Lys). This variant is present in population databases (rs751373005, gnomAD 0.005%). This variant has not been reported in the literature in individuals affected with ZNF341-related conditions. ClinVar contains an entry for this variant (Variation ID: 3335546). An algorithm developed to predict the effect of missense changes on protein structure and function (PolyPhen-2) suggests that this variant is likely to be tolerated. In summary, the available evidence is currently insufficient to determine the role of this variant in disease. Therefore, it has been classified as a Variant of Uncertain Significance.

Ambry Genetics
Classification: Uncertain significance. Last evaluated: 2024-04-04. Review status: criteria provided, single submitter. Criteria: Ambry Variant Classification Scheme 2023. Collection method: clinical testing. Allele origin: germline.

NM_001282933.2(ZNF341):c.2356G>A (p.Glu786Lys)

Genes: ZNF341 (zinc finger protein 341; plus strand), ZNF341-AS1 (ZNF341 antisense RNA 1; minus strand). Cytogenetic location: 20q11.22.
Variant type: single nucleotide variant.
Coding change: c.2356G>A on transcript NM_001282933.2 (MANE Select); coding-DNA position 2356, G replaced by A.
Protein change: p.Glu786Lys; replaces glutamic acid 786 with lysine.
Molecular consequence: missense variant. On other transcripts: non-coding transcript variant (1).
Genome position (GRCh38, 1-based): chr20:33,791,308, G>A. VCF-style: chr20-33791308-G-A. GRCh37 (hg19) VCF-style: chr20-32379114-G-A.
Other names: c.2086G>A, p.Glu696Lys (NM_001282935.2); c.2335G>A, p.Glu779Lys (NM_032819.5); short protein forms E696K, E779K, E786K.
Identifiers: ClinVar variation 3335546 (VCV003335546.2).